The following is an entry in ClinVar:

NM_000143.4(FH):c.1342C>G (p.Leu448Val)

Gene: FH (fumarate hydratase; minus strand). Cytogenetic location: 1q43.
Variant type: single nucleotide variant.
Coding change: c.1342C>G on transcript NM_000143.4 (MANE Select); coding-DNA position 1342, C replaced by G.
Protein change: p.Leu448Val; replaces leucine 448 with valine.
Molecular consequence: missense variant.
Genome position (GRCh38, 1-based): chr1:241,500,485, G>C on the plus strand (C>G on the coding strand, the complement: FH is on the minus strand). VCF-style: chr1-241500485-G-C. GRCh37 (hg19) VCF-style: chr1-241663785-G-C.
Other names: short protein forms L448V.
Identifiers: ClinVar variation 4257342 (VCV004257342.1).

ClinVar aggregate classification (germline): Uncertain significance (1 of 4 stars; one submission).

Conditions:
Hereditary cancer-predisposing syndrome. Also called: Hereditary Cancer Syndrome; Hereditary neoplastic syndrome; Neoplastic Syndromes, Hereditary; Tumor predisposition. Identifiers: Orphanet 140162, MedGen C0027672, MeSH D009386, MONDO:0015356.

Submission:

Ambry Genetics
Classification: Uncertain significance for Hereditary cancer-predisposing syndrome. Last evaluated: 2025-07-12. Review status: criteria provided, single submitter. Criteria: Ambry Variant Classification Scheme 2023. Collection method: clinical testing. Allele origin: germline.
Comment: The p.L448V variant (also known as c.1342C>G), located in coding exon 9 of the FH gene, results from a C to G substitution at nucleotide position 1342. The leucine at codon 448 is replaced by valine, an amino acid with highly similar properties. This amino acid position is conserved. In addition, this alteration is predicted to be deleterious by in silico analysis. Based on the available evidence, the clinical significance of this variant remains unclear.